The following is an entry in ClinVar:

NM_024407.5(NDUFS7):c.180C>T (p.Gly60=)

Gene: NDUFS7 (NADH:ubiquinone oxidoreductase core subunit S7; plus strand). Cytogenetic location: 19p13.3.
Variant type: single nucleotide variant.
Coding change: c.180C>T on transcript NM_024407.5 (MANE Select); coding-DNA position 180, C replaced by T.
Protein change: p.Gly60=; no amino-acid change (glycine 60 retained).
Molecular consequence: synonymous variant.
Genome position (GRCh38, 1-based): chr19:1,388,890, C>T. VCF-style: chr19-1388890-C-T. GRCh37 (hg19) VCF-style: chr19-1388889-C-T.
Other names: c.180C>T (NM_024407.4); c.180C>T, p.Gly60= (NM_001363602.2).
Identifiers: ClinVar variation 1522732 (VCV001522732.9), dbSNP rs762680917, ClinGen allele CA9043139.

ClinVar aggregate classification (germline): Conflicting classifications of pathogenicity. Review status: criteria provided, conflicting classifications (1 of 4 stars). 3 submissions from 3 submitters: Uncertain significance (2); Likely benign (1). Last evaluated 2025-07-16.

Conditions:
Mitochondrial complex I deficiency, nuclear type 3. Also called: Mitochondrial complex 1 deficiency, nuclear type 3. Identifiers: MedGen C4748752, MONDO:0032608, OMIM 618224.

Allele frequency attached by ClinVar (database versions not stated): gnomAD 0.00002 and 0.00003; gnomAD exomes 0.00003; TOPMed 0.00003; ExAC 0.00007.
gnomAD v4.1: 59 of 1,609,570 alleles (0.0037%); highest among the groups gnomAD compares: South Asian, 0.01%; no homozygotes.

Submissions (3):

GeneDx
Classification: Uncertain significance. Last evaluated: 2025-07-16. Review status: criteria provided, single submitter. Criteria: GeneDx Variant Classification Process June 2021. Collection method: clinical testing. Allele origin: germline. Affected: yes.
Comment: Not observed at significant frequency in large population cohorts (gnomAD); In silico analysis supports a deleterious effect on splicing; Has not been previously published as pathogenic or benign to our knowledge

Labcorp Genetics (formerly Invitae), Labcorp
Classification: Likely benign. Last evaluated: 2024-11-13. Review status: criteria provided, single submitter. Criteria: Invitae Variant Classification Sherloc (09022015). Collection method: clinical testing. Allele origin: germline.

Fulgent Genetics
Classification: Uncertain significance for Mitochondrial complex I deficiency, nuclear type 3. Last evaluated: 2021-12-02. Review status: criteria provided, single submitter. Criteria: ACMG Guidelines, 2015. Collection method: clinical testing. Allele origin: unknown.